The following is an entry in ClinVar:

NM_001830.4(CLCN4):c.1551A>C (p.Ala517=)

Gene: CLCN4 (Cl-/H+ antiporter 4; plus strand). Cytogenetic location: Xp22.2.
Variant type: single nucleotide variant.
Coding change: c.1551A>C on transcript NM_001830.4 (MANE Select); coding-DNA position 1551, A replaced by C.
Protein change: p.Ala517=; no amino-acid change (alanine 517 retained).
Molecular consequence: synonymous variant.
Genome position (GRCh38, 1-based): chrX:10,212,628, A>C. VCF-style: chrX-10212628-A-C. GRCh37 (hg19) VCF-style: chrX-10180668-A-C.
Other names: c.1269A>C, p.Ala423= (NM_001256944.2).
Identifiers: ClinVar variation 415735 (VCV000415735.16), dbSNP rs757820245, ClinGen allele CA10347247.

ClinVar aggregate classification (germline): Likely benign. Review status: criteria provided, multiple submitters, no conflicts (2 of 4 stars). 3 submissions from 3 submitters: Likely benign (2). 1 of the submissions does not count toward it. Last evaluated 2026-01-28.

Conditions:
CLCN4-related disorder. Identifiers: MedGen CN232948.

Allele frequency attached by ClinVar (database versions not stated): ExAC 0.00005; gnomAD 0.00005; TOPMed 0.00008; gnomAD exomes 0.00009 and 0.00010.
gnomAD v4.1: 117 of 1,208,165 alleles (0.0097%); highest among the groups gnomAD compares: Admixed American, 0.028%; no homozygotes.

Submissions (3):

Labcorp Genetics (formerly Invitae), Labcorp
Classification: Likely benign. Last evaluated: 2026-01-28. Review status: criteria provided, single submitter. Criteria: Invitae Variant Classification Sherloc (09022015). Collection method: clinical testing. Allele origin: germline.

GeneDx
Classification: Likely benign. Last evaluated: 2020-03-24. Review status: criteria provided, single submitter. Criteria: GeneDx Variant Classification Process June 2021. Collection method: clinical testing. Allele origin: germline. Affected: yes.

PreventionGenetics, part of Exact Sciences
Classification: Likely benign for CLCN4-related condition. Last evaluated: 2019-08-28. Review status: no assertion criteria provided. Collection method: clinical testing. Allele origin: germline. Not counted in ClinVar's aggregate classification.
Comment: This variant is classified as likely benign based on ACMG/AMP sequence variant interpretation guidelines (Richards et al. 2015 PMID: 25741868, with internal and published modifications).